The following is an entry in ClinVar:

NM_024494.3(WNT2B):c.368G>A (p.Arg123Gln)

Gene: WNT2B (Wnt family member 2B; plus strand). Cytogenetic location: 1p13.2.
Variant type: single nucleotide variant.
Coding change: c.368G>A on transcript NM_024494.3 (MANE Select); coding-DNA position 368, G replaced by A.
Protein change: p.Arg123Gln; replaces arginine 123 with glutamine.
Molecular consequence: missense variant.
Genome position (GRCh38, 1-based): chr1:112,515,059, G>A. VCF-style: chr1-112515059-G-A. GRCh37 (hg19) VCF-style: chr1-113057681-G-A.
Other names: c.92G>A, p.Arg31Gln (NM_001291880.1); c.311G>A, p.Arg104Gln (NM_004185.4); c.368G>A (NM_024494.2); short protein forms R104Q, R31Q, R123Q.
Identifiers: ClinVar variation 2190366 (VCV002190366.2), dbSNP rs145011115, ClinGen allele CA1008240.

ClinVar aggregate classification (germline): Uncertain significance. Review status: criteria provided, multiple submitters, no conflicts (2 of 4 stars). 2 submissions from 2 submitters: Uncertain significance (2). Last evaluated 2025-05-19.

Allele frequency attached by ClinVar (database versions not stated): ExAC 0.00006; ESP Exome Variant Server 0.00023; TOPMed 0.00006; gnomAD exomes 0.00005; gnomAD 0.00007.
gnomAD v4.1: 87 of 1,614,058 alleles (0.0054%); highest among the groups gnomAD compares: South Asian, 0.0088%; no homozygotes.

Submissions (2):

Ambry Genetics
Classification: Uncertain significance. Last evaluated: 2025-05-19. Review status: criteria provided, single submitter. Criteria: Ambry Variant Classification Scheme 2023. Collection method: clinical testing. Allele origin: germline.

Labcorp Genetics (formerly Invitae), Labcorp
Classification: Uncertain significance. Last evaluated: 2022-06-13. Review status: criteria provided, single submitter. Criteria: Invitae Variant Classification Sherloc (09022015). Collection method: clinical testing. Allele origin: germline.
Comment: This sequence change replaces arginine, which is basic and polar, with glutamine, which is neutral and polar, at codon 123 of the WNT2B protein (p.Arg123Gln). This variant is present in population databases (rs145011115, gnomAD 0.01%). This variant has not been reported in the literature in individuals affected with WNT2B-related conditions. Algorithms developed to predict the effect of missense changes on protein structure and function (SIFT, PolyPhen-2, Align-GVGD) all suggest that this variant is likely to be disruptive. In summary, the available evidence is currently insufficient to determine the role of this variant in disease. Therefore, it has been classified as a Variant of Uncertain Significance.